The following is an entry in ClinVar:

NM_152564.5(VPS13B):c.6977G>A (p.Arg2326Gln)

Gene: VPS13B (vacuolar protein sorting 13 homolog B; plus strand). Cytogenetic location: 8q22.2.
Variant type: single nucleotide variant.
Coding change: c.6977G>A on transcript NM_152564.5 (MANE Select); coding-DNA position 6977, G replaced by A.
Protein change: p.Arg2326Gln; replaces arginine 2326 with glutamine.
Molecular consequence: missense variant.
Genome position (GRCh38, 1-based): chr8:99,720,974, G>A. VCF-style: chr8-99720974-G-A. GRCh37 (hg19) VCF-style: chr8-100733202-G-A.
Other names: p.Arg2351Gln; c.7052G>A, p.Arg2351Gln (NM_017890.5); short protein forms R2326Q, R2351Q.
Identifiers: ClinVar variation 235590 (VCV000235590.26), dbSNP rs61754113, ClinGen allele CA4824122.
Genomic context (GRCh38, chr8:99,720,974, plus strand): 5'-AAGATTGCCCAGGGATGATGTTATGGAGATATCCAGAACCTAGAGTACTCACCCTTGTAC[G>A]AATAACTCCTGTACCTTTTAACACCACAGAGGATCCAGATATTAGCACAGCAGACCTTGG-3'
Protein context (NP_689777.3, residues 2316-2336): YPEPRVLTLV[Arg2326Gln]ITPVPFNTTE

ClinVar aggregate classification (germline): Benign/Likely benign. Review status: criteria provided, multiple submitters, no conflicts (2 of 4 stars). 7 submissions from 7 submitters: Benign (3); Likely benign (4). Last evaluated 2026-02-04.

Conditions:
Inborn genetic diseases. Identifiers: MedGen C0950123, MeSH D030342.
Cohen syndrome (COH1). Also called: PEPPER SYNDROME; Cutis verticis gyrata, retinitis pigmentosa, and sensorineural deafness. Identifiers: Orphanet 193, MedGen C0265223, MONDO:0008999, OMIM 216550.

Allele frequency attached by ClinVar (database versions not stated): gnomAD exomes 0.00060 and 0.00146; ExAC 0.00169; 1000 Genomes Project 0.00539; ESP Exome Variant Server 0.00592; gnomAD 0.00601 and 0.00651; 1000 Genomes Project 30x 0.00625; TOPMed 0.00680.
gnomAD v4.1: 1,826 of 1,613,914 alleles (0.11%); highest among the groups gnomAD compares: African/African-American, 2.1%; 19 homozygotes.

Submissions (7):

Labcorp Genetics (formerly Invitae), Labcorp
Classification: Benign for Cohen syndrome. Last evaluated: 2026-02-04. Review status: criteria provided, single submitter. Criteria: Invitae Variant Classification Sherloc (09022015). Collection method: clinical testing. Allele origin: germline.

Blueprint Genetics
Classification: Likely benign. Last evaluated: 2024-11-26. Review status: criteria provided, single submitter. Criteria: ACMG Guidelines, 2015. Collection method: clinical testing. Allele origin: germline.

GeneDx
Classification: Likely benign. Last evaluated: 2023-12-22. Review status: criteria provided, single submitter. Criteria: GeneDx Variant Classification Process June 2021. Collection method: clinical testing. Allele origin: germline. Affected: yes.
Comment: See Variant Classification Assertion Criteria.

Mayo Clinic Laboratories, Mayo Clinic
Classification: Benign. Last evaluated: 2023-06-08. Review status: criteria provided, single submitter. Criteria: ACMG Guidelines, 2015. Collection method: clinical testing. Allele origin: germline. Observed: 10 variant alleles.
Comment: BS1, BS2, BP4

Ambry Genetics
Classification: Benign for Inborn genetic diseases. Last evaluated: 2017-07-25. Review status: criteria provided, single submitter. Criteria: Ambry Variant Classification Scheme 2023. Collection method: clinical testing. Allele origin: germline.

Center for Pediatric Genomic Medicine, Children's Mercy Hospital and Clinics
Classification: Likely benign. Last evaluated: 2015-09-29. Review status: criteria provided, single submitter. Criteria: ACMG Guidelines, 2015. Collection method: clinical testing. Allele origin: germline.
ClinVar note: Converted during submission from Likely Benign to Likely benign.

Breakthrough Genomics
Classification: Likely benign. Review status: criteria provided, single submitter. Criteria: ACMG Guidelines, 2015. Collection method: not provided. Allele origin: germline. Inheritance: Autosomal recessive inheritance. Affected: yes.